The following is an entry in ClinVar:

ClinVar aggregate classification (germline): Uncertain significance. Review status: criteria provided, multiple submitters, no conflicts (2 of 4 stars). 8 submissions from 8 submitters: Uncertain significance (8). Last evaluated 2025-12-03.

Conditions:
Postaxial polydactyly-anterior pituitary anomalies-facial dysmorphism syndrome. Also called: Culler-Jones syndrome. Identifiers: Orphanet 420584, MedGen C4014479, MONDO:0014369, OMIM 615849.
Holoprosencephaly 9 (HPE9). Also called: PITUITARY ANOMALIES WITH HOLOPROSENCEPHALY-LIKE FEATURES; HOLOPROSENCEPHALY WITH MICROPHTHALMIA AND FIRST BRANCHIAL ARCH ANOMALIES. Identifiers: Orphanet 2162, MedGen C1835819, MONDO:0012563, OMIM 610829.
Inborn genetic diseases. Identifiers: MedGen C0950123, MeSH D030342.

Allele frequency attached by ClinVar (database versions not stated): gnomAD 0.00001; TOPMed 0.00002.
gnomAD v4.1: 42 of 1,411,268 alleles (0.003%); highest among the groups gnomAD compares: Middle Eastern, 0.024%; no homozygotes.

Submissions (8):

Labcorp Genetics (formerly Invitae), Labcorp
Classification: Uncertain significance for Postaxial polydactyly-anterior pituitary anomalies-facial dysmorphism syndrome; Holoprosencephaly 9. Last evaluated: 2025-12-03. Review status: criteria provided, single submitter. Criteria: Invitae Variant Classification Sherloc (09022015). Collection method: clinical testing. Allele origin: germline.
Comment: This sequence change replaces arginine, which is basic and polar, with glutamine, which is neutral and polar, at codon 914 of the GLI2 protein (p.Arg914Gln). The frequency data for this variant in the population databases is considered unreliable, as metrics indicate poor data quality at this position in the gnomAD database. This variant has not been reported in the literature in individuals affected with GLI2-related conditions. ClinVar contains an entry for this variant (Variation ID: 330981). Invitae Evidence Modeling of protein sequence and biophysical properties (such as structural, functional, and spatial information, amino acid conservation, physicochemical variation, residue mobility, and thermodynamic stability) indicates that this missense variant is not expected to disrupt GLI2 protein function with a negative predictive value of 80%. In summary, the available evidence is currently insufficient to determine the role of this variant in disease. Therefore, it has been classified as a Variant of Uncertain Significance.

Ambry Genetics
Classification: Uncertain significance for Inborn genetic diseases. Last evaluated: 2025-07-15. Review status: criteria provided, single submitter. Criteria: Ambry Variant Classification Scheme 2023. Collection method: clinical testing. Allele origin: germline.

GeneDx
Classification: Uncertain significance. Last evaluated: 2025-06-06. Review status: criteria provided, single submitter. Criteria: GeneDx Variant Classification Process June 2021. Collection method: clinical testing. Allele origin: germline. Affected: yes.
Comment: Not observed at significant frequency in large population cohorts (gnomAD); In silico analysis suggests that this missense variant does not alter protein structure/function; Has not been previously published as pathogenic or benign to our knowledge

Women's Health and Genetics/Laboratory Corporation of America, LabCorp
Classification: Uncertain significance. Last evaluated: 2024-11-25. Review status: criteria provided, single submitter. Criteria: LabCorp Variant Classification Summary - May 2015. Collection method: clinical testing. Allele origin: germline.
Comment: Variant summary: GLI2 c.2741G>A (p.Arg914Gln) results in a conservative amino acid change in the encoded protein sequence. Three of five in-silico tools predict a benign effect of the variant on protein function. The variant allele was found at a frequency of 3.3e-05 in 1261138 control chromosomes. This frequency is not significantly higher than estimated for a pathogenic variant in GLI2 causing GLI2-Related Disorders, allowing no conclusion about variant significance. To our knowledge, no occurrence of c.2741G>A in individuals affected with GLI2-Related Disorders and no experimental evidence demonstrating its impact on protein function have been reported. ClinVar contains an entry for this variant (Variation ID: 330981). Based on the evidence outlined above, the variant was classified as uncertain significance.

CeGaT Center for Human Genetics Tuebingen
Classification: Uncertain significance. Last evaluated: 2022-04-01. Review status: criteria provided, single submitter. Criteria: CeGaT Center For Human Genetics Tuebingen Variant Classification Criteria Version 2. Collection method: clinical testing. Allele origin: germline. Affected: yes. Observed: 1 variant allele.
Comment: GLI2: PP3

Eurofins Ntd Llc (ga)
Classification: Uncertain significance. Last evaluated: 2018-02-06. Review status: criteria provided, single submitter. Criteria: EGL Classification Definitions 2015. Collection method: clinical testing. Allele origin: germline. Observed: 1 variant allele, 1 heterozygote.

Illumina Laboratory Services, Illumina
Classification: Uncertain significance for Holoprosencephaly 9. Last evaluated: 2018-01-12. Review status: criteria provided, single submitter. Criteria: ICSL Variant Classification Criteria 13 December 2019. Collection method: clinical testing. Allele origin: germline.

ARUP Laboratories, Molecular Genetics and Genomics, ARUP Laboratories
Classification: Uncertain significance. Review status: criteria provided, single submitter. Criteria: ARUP Molecular Germline Variant Investigation Process 2024. Collection method: clinical testing. Allele origin: germline.

NM_001374353.1(GLI2):c.2690G>A (p.Arg897Gln)

Gene: GLI2 (GLI family zinc finger 2; plus strand). Cytogenetic location: 2q14.2.
Variant type: single nucleotide variant.
Coding change: c.2690G>A on transcript NM_001374353.1 (MANE Select); coding-DNA position 2690, G replaced by A.
Protein change: p.Arg897Gln; replaces arginine 897 with glutamine.
Molecular consequence: missense variant.
Genome position (GRCh38, 1-based): chr2:120,988,655, G>A. VCF-style: chr2-120988655-G-A. GRCh37 (hg19) VCF-style: chr2-121746231-G-A.
Other names: c.2741G>A, p.Arg914Gln (NM_001371271.1, NM_005270.5); c.2315G>A, p.Arg772Gln (NM_001374354.1); short protein forms R914Q, R772Q, R897Q.
Identifiers: ClinVar variation 330981 (VCV000330981.45), dbSNP rs886054813, ClinGen allele CA10611101.